The following is an entry in ClinVar:

ClinVar aggregate classification (germline): Uncertain significance. Review status: criteria provided, multiple submitters, no conflicts (2 of 4 stars). 2 submissions from 2 submitters: Uncertain significance (2). Last evaluated 2026-01-27.

Conditions:
Duchenne muscular dystrophy (DMD). Also called: MUSCULAR DYSTROPHY, PSEUDOHYPERTROPHIC PROGRESSIVE, DUCHENNE TYPE; Duchenne Muscular Dystrophy (DMD). Identifiers: Orphanet 98896, MedGen C0013264, MONDO:0010679, OMIM 310200.

Allele frequency attached by ClinVar (database versions not stated): gnomAD exomes below 0.00001.
gnomAD v4.1: 2 of 1,204,840 alleles (0.00017%); highest among the groups gnomAD compares: Middle Eastern, 0.023%; no homozygotes.

Submissions (2):

Labcorp Genetics (formerly Invitae), Labcorp
Classification: Uncertain significance for Duchenne muscular dystrophy. Last evaluated: 2026-01-27. Review status: criteria provided, single submitter. Criteria: Invitae Variant Classification Sherloc (09022015). Collection method: clinical testing. Allele origin: germline.
Comment: This sequence change falls in intron 68 of the DMD gene. It does not directly change the encoded amino acid sequence of the DMD protein. It affects a nucleotide within the consensus splice site. This variant is not present in population databases (gnomAD no frequency). This variant has not been reported in the literature in individuals affected with DMD-related conditions. ClinVar contains an entry for this variant (Variation ID: 2057645). Variants that disrupt the consensus splice site are a relatively common cause of aberrant splicing (PMID: 17576681, 9536098). Algorithms developed to predict the effect of sequence changes on RNA splicing suggest that this variant is not likely to affect RNA splicing. In summary, the available evidence is currently insufficient to determine the role of this variant in disease. Therefore, it has been classified as a Variant of Uncertain Significance.

CeGaT Center for Human Genetics Tuebingen
Classification: Uncertain significance. Last evaluated: 2025-12-01. Review status: criteria provided, single submitter. Criteria: CeGaT Center For Human Genetics Tuebingen Variant Classification Criteria Version 2. Collection method: clinical testing. Allele origin: germline. Affected: yes. Observed: 1 variant allele.
Comment: DMD: PM2, BP4

Literature cited by the submitters: PubMed 17576681 (cited by Labcorp Genetics (formerly Invitae), Labcorp); PubMed 9536098 (cited by Labcorp Genetics (formerly Invitae), Labcorp).

NM_004006.3(DMD):c.9974+6A>C

Gene: DMD (dystrophin; minus strand). Cytogenetic location: Xp21.2.
Variant type: single nucleotide variant.
Coding change: c.9974+6A>C on transcript NM_004006.3 (MANE Select); 6 bases into the intron after coding-DNA position 9974, A replaced by C.
Molecular consequence: intron variant.
Genome position (GRCh38, 1-based): chrX:31,182,732, T>G on the plus strand (A>C on the coding strand, the complement: DMD is on the minus strand). VCF-style: chrX-31182732-T-G. GRCh37 (hg19) VCF-style: chrX-31200849-T-G.
Other names: c.9950+6A>C (NM_000109.4); c.5951+6A>C (NM_004011.4); c.5942+6A>C (NM_004012.4); c.2594+6A>C (NM_004023.3, NM_004020.4, NM_004022.3 and 2 more transcripts); c.1787+6A>C (NM_004014.3); c.770+6A>C (NM_004018.3, NM_004017.3, NM_004016.3 and 2 more transcripts); c.9962+6A>C (NM_004009.3); c.9605+6A>C (NM_004010.3).
Identifiers: ClinVar variation 2057645 (VCV002057645.7), dbSNP rs2520020435, ClinGen allele CA2580100573.